The following is an entry in ClinVar:

NM_001844.5(COL2A1):c.3262A>T (p.Arg1088Ter)

Gene: COL2A1 (collagen type II alpha 1 chain; minus strand). Cytogenetic location: 12q13.11.
Variant type: single nucleotide variant.
Coding change: c.3262A>T on transcript NM_001844.5 (MANE Select); coding-DNA position 3262, A replaced by T.
Protein change: p.Arg1088Ter; replaces arginine 1088 with a stop codon.
Molecular consequence: nonsense.
Genome position (GRCh38, 1-based): chr12:47,977,331, T>A on the plus strand (A>T on the coding strand, the complement: COL2A1 is on the minus strand). VCF-style: chr12-47977331-T-A. GRCh37 (hg19) VCF-style: chr12-48371114-T-A.
Other names: c.3055A>T, p.Arg1019Ter (NM_033150.3); short protein forms R1019*, R1088*.
Identifiers: ClinVar variation 4717760 (VCV004717760.1).

ClinVar aggregate classification (germline): Pathogenic (1 of 4 stars; one submission).

Submission:

Labcorp Genetics (formerly Invitae), Labcorp
Classification: Pathogenic. Last evaluated: 2025-04-17. Review status: criteria provided, single submitter. Criteria: Invitae Variant Classification Sherloc (09022015). Collection method: clinical testing. Allele origin: germline.
Comment: This sequence change creates a premature translational stop signal (p.Arg1088*) in the COL2A1 gene. It is expected to result in an absent or disrupted protein product. Loss-of-function variants in COL2A1 are known to be pathogenic (PMID: 20179744). This variant is not present in population databases (gnomAD no frequency). This variant has not been reported in the literature in individuals affected with COL2A1-related conditions. For these reasons, this variant has been classified as Pathogenic.

Literature cited by the submitters: PubMed 20179744.